The following is an entry in ClinVar:

ClinVar aggregate classification (germline): Likely pathogenic (1 of 4 stars; one submission).

Submission:

Labcorp Genetics (formerly Invitae), Labcorp
Classification: Likely pathogenic. Last evaluated: 2023-02-02. Review status: criteria provided, single submitter. Criteria: Invitae Variant Classification Sherloc (09022015). Collection method: clinical testing. Allele origin: germline.
Comment: Algorithms developed to predict the effect of sequence changes on RNA splicing suggest that this variant may disrupt the consensus splice site. This sequence change affects a donor splice site in intron 9 of the TRIM37 gene. It is expected to disrupt RNA splicing. Variants that disrupt the donor or acceptor splice site typically lead to a loss of protein function (PMID: 16199547), and loss-of-function variants in TRIM37 are known to be pathogenic (PMID: 10888877, 15108285). This variant is not present in population databases (gnomAD no frequency). This variant has not been reported in the literature in individuals affected with TRIM37-related conditions. In summary, the currently available evidence indicates that the variant is pathogenic, but additional data are needed to prove that conclusively. Therefore, this variant has been classified as Likely Pathogenic.

Literature cited by the submitters: PubMed 16199547; PubMed 10888877; PubMed 15108285.

NM_015294.6(TRIM37):c.809+2T>C

Gene: TRIM37 (tripartite motif containing 37; minus strand). Cytogenetic location: 17q22.
Variant type: single nucleotide variant.
Coding change: c.809+2T>C on transcript NM_015294.6 (MANE Select); the canonical splice donor site of the intron after coding-DNA position 809, T replaced by C.
Molecular consequence: splice donor variant.
Genome position (GRCh38, 1-based): chr17:59,070,821, A>G on the plus strand (T>C on the coding strand, the complement: TRIM37 is on the minus strand). VCF-style: chr17-59070821-A-G. GRCh37 (hg19) VCF-style: chr17-57148182-A-G.
Other names: c.809+2T>C (NM_001320989.3, NM_001005207.5, NM_001353086.2 and 2 more transcripts); c.347+2T>C (NM_001353085.2); c.707+2T>C (NM_001320987.3, NM_001353082.2); c.74+2T>C (NM_001353083.2); c.443+2T>C (NM_001320990.3).
Identifiers: ClinVar variation 2833992 (VCV002833992.3), dbSNP rs2545948848, ClinGen allele CA400407480.